The following is an entry in ClinVar:

ClinVar aggregate classification (germline): Uncertain significance (1 of 4 stars; one submission).

Allele frequency attached by ClinVar (database versions not stated): ExAC 0.00001.
gnomAD v4.1: 4 of 1,613,262 alleles (0.00025%); highest among the groups gnomAD compares: East Asian, 0.0022%; no homozygotes.

Submission:

Labcorp Genetics (formerly Invitae), Labcorp
Classification: Uncertain significance. Last evaluated: 2022-10-05. Review status: criteria provided, single submitter. Criteria: Invitae Variant Classification Sherloc (09022015). Collection method: clinical testing. Allele origin: germline.
Comment: This variant is present in population databases (rs140346248, gnomAD 0.006%). This sequence change replaces arginine, which is basic and polar, with histidine, which is basic and polar, at codon 613 of the ATP6V1A protein (p.Arg613His). This variant has not been reported in the literature in individuals affected with ATP6V1A-related conditions. In summary, the available evidence is currently insufficient to determine the role of this variant in disease. Therefore, it has been classified as a Variant of Uncertain Significance. Algorithms developed to predict the effect of missense changes on protein structure and function are either unavailable or do not agree on the potential impact of this missense change (SIFT: "Deleterious"; PolyPhen-2: "Benign"; Align-GVGD: "Class C0").

NM_001690.4(ATP6V1A):c.1838G>A (p.Arg613His)

Gene: ATP6V1A (ATPase H+ transporting V1 subunit A; plus strand). Cytogenetic location: 3q13.31.
Variant type: single nucleotide variant.
Coding change: c.1838G>A on transcript NM_001690.4 (MANE Select); coding-DNA position 1838, G replaced by A.
Protein change: p.Arg613His; replaces arginine 613 with histidine.
Molecular consequence: missense variant.
Genome position (GRCh38, 1-based): chr3:113,809,411, G>A. VCF-style: chr3-113809411-G-A. GRCh37 (hg19) VCF-style: chr3-113528258-G-A.
Other names: short protein forms R613H.
Identifiers: ClinVar variation 2019481 (VCV002019481.4), dbSNP rs140346248, ClinGen allele CA2548174.
Genomic context (GRCh38, chr3:113,809,411, plus strand): 5'-GTGAGGCAAAGATCAAAAGCGACTATGCACAACTTCTTGAAGACATGCAGAATGCATTCC[G>A]TAGCCTTGAAGATTAGAAGCCTTGAAGATTACAACTGTGATTTCCTTTTCCTCAGCAAGC-3'
Protein context (NP_001681.2, residues 603-617): QLLEDMQNAF[Arg613His]SLED